The following is an entry in ClinVar:

ClinVar aggregate classification (germline): Pathogenic/Likely pathogenic. Review status: criteria provided, multiple submitters, no conflicts (2 of 4 stars). 2 submissions from 2 submitters: Pathogenic (1); Likely pathogenic (1). Last evaluated 2025-09-11.

Conditions:
Cardiovascular phenotype. Identifiers: MedGen CN230736.
Amyloidosis, hereditary systemic 1 (AMYLD1). Also called: Familial amyloid polyneuropathy; Transthyretin Amyloidosis; Isolated Cardiac Amyloidosis; Amyloid Cardiomyopathy, Transthyretin-related; AMYLOID CARDIOMYOPATHY; Hereditary Transthyretin Amyloidosis. Identifiers: Orphanet 85447, Orphanet 85451, MedGen C2751492, MONDO:0971004, OMIM 105210.

Submissions (2):

Labcorp Genetics (formerly Invitae), Labcorp
Classification: Pathogenic for Amyloidosis, hereditary systemic 1. Last evaluated: 2025-09-11. Review status: criteria provided, single submitter. Criteria: Invitae Variant Classification Sherloc (09022015). Collection method: clinical testing. Allele origin: germline.
Comment: This sequence change replaces isoleucine, which is neutral and non-polar, with threonine, which is neutral and polar, at codon 104 of the TTR protein (p.Ile104Thr). This variant is not present in population databases (gnomAD no frequency). This missense change has been observed in individuals with hereditary transthyretin-mediated amyloidosis (hATTR amyloidosis) (PMID: 9701270, 17503405). This variant is also known as Ile84Thr or Thr84. ClinVar contains an entry for this variant (Variation ID: 1452255). Invitae Evidence Modeling of protein sequence and biophysical properties (such as structural, functional, and spatial information, amino acid conservation, physicochemical variation, residue mobility, and thermodynamic stability) indicates that this missense variant is expected to disrupt TTR protein function with a positive predictive value of 95%. This variant disrupts the p.Ile104 amino acid residue in TTR. Other variant(s) that disrupt this residue have been determined to be pathogenic (PMID: 2840822, 3760189, 9547003, 23713495, 25997029). This suggests that this residue is clinically significant, and that variants that disrupt this residue are likely to be disease-causing. For these reasons, this variant has been classified as Pathogenic.

Ambry Genetics
Classification: Likely pathogenic for Cardiovascular phenotype. Last evaluated: 2014-11-18. Review status: criteria provided, single submitter. Criteria: Ambry Variant Classification Scheme 2023. Collection method: clinical testing. Allele origin: germline.
Comment: The p.I104T variant (also known as c.311T>C and I84T), located in coding exon 3 of the TTR gene, results from a T to C substitution at nucleotide position 311. The isoleucine at codon 104 is replaced by threonine, an amino acid with similar properties. This variant was reported in one patient with cardiac amyloidosis and polyneuropathy who underwent liver and cardiac transplant (Stangou et al Transplantation 1998 Jul 27;66(2):229-33). One functional study reported monomeric instability of this variant form of TTR (Altland et al Electrophoresis 2007 Jun;28(12):2053-64). It was not reported in population based cohorts in the following databases: Database of Single Nucleotide Polymorphisms (dbSNP), NHLBI Exome Sequencing Project (ESP), and 1000 Genomes Project. In the ESP, this variant was not observed in 6503 samples (13006 alleles) with coverage at this position. This amino acid position is completely conserved on sequence alignment. In addition, this alteration is predicted to be possibly damaging and tolerated by PolyPhen and SIFT in silico analyses, respectively. Based on the majority of available evidence to date, this variant is likely to be pathogenic.

Literature cited by the submitters: PubMed 9701270 (cited by Labcorp Genetics (formerly Invitae), Labcorp and Ambry Genetics); PubMed 17503405 (cited by Labcorp Genetics (formerly Invitae), Labcorp and Ambry Genetics); PubMed 2840822 (cited by Labcorp Genetics (formerly Invitae), Labcorp); PubMed 3760189 (cited by Labcorp Genetics (formerly Invitae), Labcorp); PubMed 9547003 (cited by Labcorp Genetics (formerly Invitae), Labcorp); PubMed 23713495 (cited by Labcorp Genetics (formerly Invitae), Labcorp); PubMed 25997029 (cited by Labcorp Genetics (formerly Invitae), Labcorp).

NM_000371.4(TTR):c.311T>C (p.Ile104Thr)

Gene: TTR (transthyretin; plus strand). Cytogenetic location: 18q12.1.
Variant type: single nucleotide variant.
Coding change: c.311T>C on transcript NM_000371.4 (MANE Select); coding-DNA position 311, T replaced by C.
Protein change: p.Ile104Thr; replaces isoleucine 104 with threonine.
Molecular consequence: missense variant.
Genome position (GRCh38, 1-based): chr18:31,595,230, T>C. VCF-style: chr18-31595230-T-C. GRCh37 (hg19) VCF-style: chr18-29175193-T-C.
Other names: short protein forms I104T.
Identifiers: ClinVar variation 1452255 (VCV001452255.8), dbSNP rs121918072, ClinGen allele CA402157111.